The following is an entry in ClinVar:

ClinVar aggregate classification (germline): Uncertain significance (1 of 4 stars; one submission).

Conditions:
Oligodontia-cancer predisposition syndrome. Also called: TOOTH AGENESIS-COLORECTAL CANCER SYNDROME. Identifiers: Orphanet 300576, MedGen C1837750, MONDO:0012075, OMIM 608615. Disease mechanism: loss of function.

gnomAD v4.1: 2 of 1,614,244 alleles (0.00012%); highest among the groups gnomAD compares: South Asian, 0.0011%; no homozygotes.

Submission:

Labcorp Genetics (formerly Invitae), Labcorp
Classification: Uncertain significance for Oligodontia-cancer predisposition syndrome. Last evaluated: 2022-03-12. Review status: criteria provided, single submitter. Criteria: Invitae Variant Classification Sherloc (09022015). Collection method: clinical testing. Allele origin: germline.
Comment: In summary, the available evidence is currently insufficient to determine the role of this variant in disease. Therefore, it has been classified as a Variant of Uncertain Significance. Algorithms developed to predict the effect of missense changes on protein structure and function (SIFT, PolyPhen-2, Align-GVGD) all suggest that this variant is likely to be disruptive. This variant has not been reported in the literature in individuals affected with AXIN2-related conditions. This variant is not present in population databases (gnomAD no frequency). This sequence change replaces glutamic acid, which is acidic and polar, with glycine, which is neutral and non-polar, at codon 763 of the AXIN2 protein (p.Glu763Gly).

NM_004655.4(AXIN2):c.2288A>G (p.Glu763Gly)

Gene: AXIN2 (axin 2; minus strand). Cytogenetic location: 17q24.1.
Variant type: single nucleotide variant.
Coding change: c.2288A>G on transcript NM_004655.4 (MANE Select); coding-DNA position 2288, A replaced by G.
Protein change: p.Glu763Gly; replaces glutamic acid 763 with glycine.
Molecular consequence: missense variant.
Genome position (GRCh38, 1-based): chr17:65,534,029, T>C on the plus strand (A>G on the coding strand, the complement: AXIN2 is on the minus strand). VCF-style: chr17-65534029-T-C. GRCh37 (hg19) VCF-style: chr17-63530147-T-C.
Other names: c.2093A>G, p.Glu698Gly (NM_001363813.1); short protein forms E698G, E763G.
Identifiers: ClinVar variation 2110129 (VCV002110129.4), dbSNP rs1567752141, ClinGen allele CA400675582.